The following is an entry in ClinVar:

NM_201384.3(PLEC):c.10893C>T (p.Ile3631=)

Gene: PLEC (plectin; minus strand). Cytogenetic location: 8q24.3.
Variant type: single nucleotide variant.
Coding change: c.10893C>T on transcript NM_201384.3 (MANE Select); coding-DNA position 10893, C replaced by T.
Protein change: p.Ile3631=; no amino-acid change (isoleucine 3631 retained).
Molecular consequence: synonymous variant.
Genome position (GRCh38, 1-based): chr8:143,918,928, G>A on the plus strand (C>T on the coding strand, the complement: PLEC is on the minus strand). VCF-style: chr8-143918928-G-A. GRCh37 (hg19) VCF-style: chr8-144993096-G-A.
Other names: p.Ile3658=; c.10974C>T, p.Ile3658= (NM_000445.5); c.7593C>T, p.Ile2531= (NM_001410941.1); c.10851C>T, p.Ile3617= (NM_201378.4); c.10827C>T, p.Ile3609= (NM_201379.3); c.11304C>T, p.Ile3768= (NM_201380.4); c.10797C>T, p.Ile3599= (NM_201381.3); c.10893C>T, p.Ile3631= (NM_201382.4); and 1 more.
Identifiers: ClinVar variation 4683364 (VCV004683364.1).

ClinVar aggregate classification (germline): Likely benign (1 of 4 stars; one submission).

gnomAD v4.1: 1 of 1,610,906 alleles (0.000062%); highest among the groups gnomAD compares: African/African-American, 0.0013%; no homozygotes.

Submission:

Mayo Clinic Laboratories, Mayo Clinic
Classification: Likely benign. Last evaluated: 2025-07-30. Review status: criteria provided, single submitter. Criteria: ACMG Guidelines, 2015. Collection method: clinical testing. Allele origin: germline. Observed: 1 variant allele.
Comment: BP4, BP7